The following is an entry in ClinVar:

NM_139058.3(ARX):c.220C>G (p.Pro74Ala)

Gene: ARX (aristaless related homeobox; minus strand). Cytogenetic location: Xp21.3.
Variant type: single nucleotide variant.
Coding change: c.220C>G on transcript NM_139058.3 (MANE Select); coding-DNA position 220, C replaced by G.
Protein change: p.Pro74Ala; replaces proline 74 with alanine.
Molecular consequence: missense variant.
Genome position (GRCh38, 1-based): chrX:25,013,775, G>C on the plus strand (C>G on the coding strand, the complement: ARX is on the minus strand). VCF-style: chrX-25013775-G-C. GRCh37 (hg19) VCF-style: chrX-25031892-G-C.
Other names: short protein forms P74A.
Identifiers: ClinVar variation 2057933 (VCV002057933.3), dbSNP rs1235067450, ClinGen allele CA412613626.

ClinVar aggregate classification (germline): Uncertain significance (1 of 4 stars; one submission).

Conditions:
Developmental and epileptic encephalopathy, 1 (DEE1). Also called: X-linked infantile spasms; West's syndrome; Tonic spasms with clustering, arrest of psychomotor development and hypsarrhythmia on EEG; X-Linked Infantile Spasm Syndrome; OHTAHARA SYNDROME, X-LINKED; INFANTILE SPASM SYNDROME, X-LINKED 1. Identifiers: MedGen C3463992, MONDO:0010632, OMIM 308350. Disease mechanism: loss of function.
Intellectual disability, X-linked, with or without seizures, ARX-related. Also called: MENTAL RETARDATION, X-LINKED 29; MENTAL RETARDATION, X-LINKED 32; MENTAL RETARDATION, X-LINKED 33; MENTAL RETARDATION, X-LINKED 38; MENTAL RETARDATION, X-LINKED 43; MENTAL RETARDATION, X-LINKED 76. Identifiers: Orphanet 777, MedGen C0796244, MONDO:0010317, OMIM 300419.

Allele frequency attached by ClinVar (database versions not stated): TOPMed 0.00002; gnomAD exomes 0.00003; gnomAD 0.00001.
gnomAD v4.1: 30 of 927,541 alleles (0.0032%); highest among the groups gnomAD compares: Non-Finnish European, 0.0036%; no homozygotes.

Submission:

Labcorp Genetics (formerly Invitae), Labcorp
Classification: Uncertain significance for Developmental and epileptic encephalopathy, 1; Intellectual disability, X-linked, with or without seizures, ARX-related. Last evaluated: 2025-09-15. Review status: criteria provided, single submitter. Criteria: Invitae Variant Classification Sherloc (09022015). Collection method: clinical testing. Allele origin: germline.
Comment: This sequence change replaces proline, which is neutral and non-polar, with alanine, which is neutral and non-polar, at codon 74 of the ARX protein (p.Pro74Ala). The frequency data for this variant in the population databases is considered unreliable, as metrics indicate insufficient coverage at this position in the gnomAD database. This variant has not been reported in the literature in individuals affected with ARX-related conditions. ClinVar contains an entry for this variant (Variation ID: 2057933). Invitae Evidence Modeling of protein sequence and biophysical properties (such as structural, functional, and spatial information, amino acid conservation, physicochemical variation, residue mobility, and thermodynamic stability) indicates that this missense variant is not expected to disrupt ARX protein function with a negative predictive value of 95%. In summary, the available evidence is currently insufficient to determine the role of this variant in disease. Therefore, it has been classified as a Variant of Uncertain Significance.